The following is an entry in ClinVar:

NM_000487.6(ARSA):c.1033C>G (p.Leu345Val)

Gene: ARSA (arylsulfatase A; minus strand). Cytogenetic location: 22q13.33.
Variant type: single nucleotide variant.
Coding change: c.1033C>G on transcript NM_000487.6 (MANE Select); coding-DNA position 1033, C replaced by G.
Protein change: p.Leu345Val; replaces leucine 345 with valine.
Molecular consequence: missense variant.
Genome position (GRCh38, 1-based): chr22:50,626,010, G>C on the plus strand (C>G on the coding strand, the complement: ARSA is on the minus strand). VCF-style: chr22-50626010-G-C. GRCh37 (hg19) VCF-style: chr22-51064438-G-C.
Other names: c.1033C>G, p.Leu345Val (NM_001085425.3, NM_001085426.3, NM_001085427.3); c.775C>G, p.Leu259Val (NM_001085428.3, NM_001362782.2); short protein forms L259V, L345V.
Identifiers: ClinVar variation 3384611 (VCV003384611.2).

ClinVar aggregate classification (germline): Uncertain significance (1 of 4 stars; one submission).

Submission:

GeneDx
Classification: Uncertain significance. Last evaluated: 2025-02-09. Review status: criteria provided, single submitter. Criteria: GeneDx Variant Classification Process June 2021. Collection method: clinical testing. Allele origin: germline.
Comment: Not observed at significant frequency in large population cohorts (gnomAD); In silico analysis indicates that this missense variant does not alter protein structure/function; Has not been previously published as pathogenic or benign to our knowledge; Also known as p.(L343V)